The following is an entry in ClinVar:

NM_000038.6(APC):c.2837C>T (p.Thr946Ile)

Gene: APC (APC regulator of Wnt signaling pathway; plus strand). Cytogenetic location: 5q22.2.
Variant type: single nucleotide variant.
Coding change: c.2837C>T on transcript NM_000038.6 (MANE Select); coding-DNA position 2837, C replaced by T.
Protein change: p.Thr946Ile; replaces threonine 946 with isoleucine.
Molecular consequence: missense variant. On other transcripts: non-coding transcript variant (2).
Genome position (GRCh38, 1-based): chr5:112,838,431, C>T. VCF-style: chr5-112838431-C-T. GRCh37 (hg19) VCF-style: chr5-112174128-C-T.
Other names: c.2837C>T, p.Thr946Ile (NM_001127510.3, NM_001354895.2, NM_001407450.1); c.2783C>T, p.Thr928Ile (NM_001127511.3); c.2891C>T, p.Thr964Ile (NM_001354896.2, NM_001407447.1, NM_001407448.1 and 1 more transcripts); c.2867C>T, p.Thr956Ile (NM_001354897.2); c.2762C>T, p.Thr921Ile (NM_001354898.2); c.2753C>T, p.Thr918Ile (NM_001354899.2); c.2714C>T, p.Thr905Ile (NM_001354900.2); c.2660C>T, p.Thr887Ile (NM_001354901.2, NM_001407453.1); and 11 more; short protein forms T663I, T786I, T817I, T845I, T887I, T946I, T820I, T863I.
Identifiers: ClinVar variation 3879159 (VCV003879159.2).

ClinVar aggregate classification (germline): Uncertain significance. Review status: criteria provided, multiple submitters, no conflicts (2 of 4 stars). 2 submissions from 2 submitters: Uncertain significance (2). Last evaluated 2025-10-10.

Conditions:
Hereditary cancer-predisposing syndrome. Also called: Tumor predisposition; Neoplastic Syndromes, Hereditary; Hereditary Cancer Syndrome; Hereditary neoplastic syndrome. Identifiers: Orphanet 140162, MedGen C0027672, MeSH D009386, MONDO:0015356.
Familial adenomatous polyposis 1 (FAP1). Also called: POLYPOSIS, ADENOMATOUS INTESTINAL; FAMILIAL ADENOMATOUS POLYPOSIS 1, ATTENUATED. Identifiers: MedGen C2713442, MONDO:0021056, OMIM 175100. Disease mechanism: loss of function.

Submissions (2):

Labcorp Genetics (formerly Invitae), Labcorp
Classification: Uncertain significance for Familial adenomatous polyposis 1. Last evaluated: 2025-10-10. Review status: criteria provided, single submitter. Criteria: Invitae Variant Classification Sherloc (09022015). Collection method: clinical testing. Allele origin: germline.
Comment: This sequence change replaces threonine, which is neutral and polar, with isoleucine, which is neutral and non-polar, at codon 946 of the APC protein (p.Thr946Ile). This variant is not present in population databases (gnomAD no frequency). This variant has not been reported in the literature in individuals affected with APC-related conditions. ClinVar contains an entry for this variant (Variation ID: 3879159). Invitae Evidence Modeling of protein sequence and biophysical properties (such as structural, functional, and spatial information, amino acid conservation, physicochemical variation, residue mobility, and thermodynamic stability) indicates that this missense variant is not expected to disrupt APC protein function with a negative predictive value of 95%. In summary, the available evidence is currently insufficient to determine the role of this variant in disease. Therefore, it has been classified as a Variant of Uncertain Significance.

Ambry Genetics
Classification: Uncertain significance for Hereditary cancer-predisposing syndrome. Last evaluated: 2025-01-09. Review status: criteria provided, single submitter. Criteria: Ambry Variant Classification Scheme 2023. Collection method: clinical testing. Allele origin: germline.
Comment: The p.T946I variant (also known as c.2837C>T), located in coding exon 15 of the APC gene, results from a C to T substitution at nucleotide position 2837. The threonine at codon 946 is replaced by isoleucine, an amino acid with similar properties. This amino acid position is not well conserved in available vertebrate species. In addition, in silico predictors for this gene do not accurately predict pathogenicity. Missense alterations in APC are not a common cause of disease (Spier I et al. Genet Med. 2024 Feb;26(2):100992). Based on the available evidence, the clinical significance of this variant remains unclear.